The following is an entry in ClinVar:

NM_001100.4(ACTA1):c.809-9G>A

Gene: ACTA1 (actin alpha 1, skeletal muscle; minus strand). Cytogenetic location: 1q42.13.
Variant type: single nucleotide variant.
Coding change: c.809-9G>A on transcript NM_001100.4 (MANE Select); 9 bases into the intron before coding-DNA position 809, G replaced by A.
Molecular consequence: intron variant.
Genome position (GRCh38, 1-based): chr1:229,431,911, C>T on the plus strand (G>A on the coding strand, the complement: ACTA1 is on the minus strand). VCF-style: chr1-229431911-C-T. GRCh37 (hg19) VCF-style: chr1-229567658-C-T.
Identifiers: ClinVar variation 2140887 (VCV002140887.4), dbSNP rs1217853023, ClinGen allele CA1226125542.

ClinVar aggregate classification (germline): Uncertain significance (1 of 4 stars; one submission).

Conditions:
Actin accumulation myopathy (CMYO2A). Also called: Myopathy, actin, congenital, with cores; Nemaline myopathy 3, with intranuclear rods; Nemaline myopathy type 3; Myopathy, actin, congenital, with excess of thin myofilaments; CONGENITAL MYOPATHY 2A, TYPICAL, AUTOSOMAL DOMINANT. Identifiers: Orphanet 98904, MedGen C3711389, MONDO:0008070, OMIM 161800.

Submission:

Labcorp Genetics (formerly Invitae), Labcorp
Classification: Uncertain significance for Actin accumulation myopathy. Last evaluated: 2024-11-04. Review status: criteria provided, single submitter. Criteria: Invitae Variant Classification Sherloc (09022015). Collection method: clinical testing. Allele origin: germline.
Comment: This sequence change falls in intron 5 of the ACTA1 gene. It does not directly change the encoded amino acid sequence of the ACTA1 protein. This variant is not present in population databases (gnomAD no frequency). This variant has not been reported in the literature in individuals affected with ACTA1-related conditions. ClinVar contains an entry for this variant (Variation ID: 2140887). Algorithms developed to predict the effect of sequence changes on RNA splicing suggest that this variant may disrupt the consensus splice site. In summary, the available evidence is currently insufficient to determine the role of this variant in disease. Therefore, it has been classified as a Variant of Uncertain Significance.